The following is an entry in ClinVar:

NM_000059.4(BRCA2):c.3316A>T (p.Ser1106Cys)

Gene: BRCA2 (BRCA2 DNA repair associated; plus strand). Cytogenetic location: 13q13.1.
Variant type: single nucleotide variant.
Coding change: c.3316A>T on transcript NM_000059.4 (MANE Select); coding-DNA position 3316, A replaced by T.
Protein change: p.Ser1106Cys; replaces serine 1106 with cysteine.
Molecular consequence: missense variant. On other transcripts: non-coding transcript variant (1), intron variant (2).
Genome position (GRCh38, 1-based): chr13:32,337,671, A>T. VCF-style: chr13-32337671-A-T. GRCh37 (hg19) VCF-style: chr13-32911808-A-T.
Other names: c.3316A>T, p.Ser1106Cys (NM_001406719.1, NM_001406720.1, NM_001432077.1); c.1909+4284A>T (NM_001406721.1); c.424+6641A>T (NM_001406722.1); short protein forms S1106C.
Identifiers: ClinVar variation 4215900 (VCV004215900.1).
Genomic context (GRCh38, chr13:32,337,671, plus strand): 5'-ATAACCCCTCAGATGTTATTTTCCAAGCAGGATTTTAATTCAAACCATAATTTAACACCT[A>T]GCCAAAAGGCAGAAATTACAGAACTTTCTACTATATTAGAAGAATCAGGAAGTCAGTTTG-3'
Protein context (NP_000050.3, residues 1096-1116): DFNSNHNLTP[Ser1106Cys]QKAEITELST

ClinVar aggregate classification (germline): Uncertain significance (1 of 4 stars; one submission).

Conditions:
Hereditary cancer-predisposing syndrome. Also called: Hereditary Cancer Syndrome; Hereditary neoplastic syndrome; Neoplastic Syndromes, Hereditary; Tumor predisposition. Identifiers: Orphanet 140162, MedGen C0027672, MeSH D009386, MONDO:0015356.

Submission:

Ambry Genetics
Classification: Uncertain significance for Hereditary cancer-predisposing syndrome. Last evaluated: 2025-08-08. Review status: criteria provided, single submitter. Criteria: Ambry Variant Classification Scheme 2023. Collection method: clinical testing. Allele origin: germline.
Comment: The p.S1106C variant (also known as c.3316A>T), located in coding exon 10 of the BRCA2 gene, results from an A to T substitution at nucleotide position 3316. The serine at codon 1106 is replaced by cysteine, an amino acid with dissimilar properties. This amino acid position is conserved. In addition, the in silico prediction for this alteration is inconclusive. Based on the available evidence, the clinical significance of this variant remains unclear.